The following is an entry in ClinVar:

NM_000124.4(ERCC6):c.1919G>A (p.Trp640Ter)

Gene: ERCC6 (ERCC excision repair 6, chromatin remodeling factor; minus strand). Cytogenetic location: 10q11.23.
Variant type: single nucleotide variant.
Coding change: c.1919G>A on transcript NM_000124.4 (MANE Select); coding-DNA position 1919, G replaced by A.
Protein change: p.Trp640Ter; replaces tryptophan 640 with a stop codon.
Molecular consequence: nonsense.
Genome position (GRCh38, 1-based): chr10:49,483,419, C>T on the plus strand (G>A on the coding strand, the complement: ERCC6 is on the minus strand). VCF-style: chr10-49483419-C-T. GRCh37 (hg19) VCF-style: chr10-50691465-C-T.
Other names: c.1919G>A, p.Trp640Ter (NM_001346440.2); short protein forms W640*.
Identifiers: ClinVar variation 857492 (VCV000857492.10), dbSNP rs1851015811, ClinGen allele CA376724899.

ClinVar aggregate classification (germline): Pathogenic/Likely pathogenic. Review status: criteria provided, multiple submitters, no conflicts (2 of 4 stars). 2 submissions from 2 submitters: Pathogenic (1); Likely pathogenic (1). Last evaluated 2025-11-10.

Conditions:
Cockayne syndrome type 2 (CSB). Also called: COCKAYNE SYNDROME B; Cockayne Syndrome, Type II. Identifiers: Orphanet 191, Orphanet 90322, MedGen C0751038, MONDO:0019570, OMIM 133540.

Submissions (2):

Labcorp Genetics (formerly Invitae), Labcorp
Classification: Pathogenic. Last evaluated: 2025-11-10. Review status: criteria provided, single submitter. Criteria: Invitae Variant Classification Sherloc (09022015). Collection method: clinical testing. Allele origin: germline.
Comment: This sequence change creates a premature translational stop signal (p.Trp640*) in the ERCC6 gene. It is expected to result in an absent or disrupted protein product. Loss-of-function variants in ERCC6 are known to be pathogenic (PMID: 18628313, 29572252). This variant is not present in population databases (gnomAD no frequency). This variant has not been reported in the literature in individuals affected with ERCC6-related conditions. ClinVar contains an entry for this variant (Variation ID: 857492). Algorithms developed to predict the effect of sequence changes on RNA splicing suggest that this variant may create or strengthen a splice site. For these reasons, this variant has been classified as Pathogenic.

Myriad Genetics, Inc.
Classification: Likely pathogenic for Cockayne syndrome type 2. Last evaluated: 2019-01-26. Review status: criteria provided, single submitter. Criteria: Myriad Women's Health Autosomal Recessive and X-Linked Classification Criteria (2019). Collection method: clinical testing. Allele origin: unknown.
Comment: NM_000124.2(ERCC6):c.1919G>A(W640*) is expected to be pathogenic in the context of ERCC6-related disorders. This variant is predicted to lead to an abnormal or absent protein product due to the creation of a premature termination codon in ERCC6, a gene where loss-of-function variants are known to be pathogenic. Please note: this variant was assessed in the context of healthy population screening.

Literature cited by the submitters: PubMed 18628313 (cited by Labcorp Genetics (formerly Invitae), Labcorp); PubMed 29572252 (cited by Labcorp Genetics (formerly Invitae), Labcorp).